The following is an entry in ClinVar:

NM_002047.4(GARS1):c.1943A>G (p.Asp648Gly)

Gene: GARS1 (glycyl-tRNA synthetase 1; plus strand). Cytogenetic location: 7p14.3.
Variant type: single nucleotide variant.
Coding change: c.1943A>G on transcript NM_002047.4 (MANE Select); coding-DNA position 1943, A replaced by G.
Protein change: p.Asp648Gly; replaces aspartic acid 648 with glycine.
Molecular consequence: missense variant.
Genome position (GRCh38, 1-based): chr7:30,632,286, A>G. VCF-style: chr7-30632286-A-G. GRCh37 (hg19) VCF-style: chr7-30671902-A-G.
Other names: c.1781A>G, p.Asp594Gly (NM_001316772.1); short protein forms D594G, D648G.
Identifiers: ClinVar variation 2819795 (VCV002819795.3), dbSNP rs2534337308, ClinGen allele CA367130407.

ClinVar aggregate classification (germline): Uncertain significance (1 of 4 stars; one submission).

Conditions:
Charcot-Marie-Tooth disease type 2. Also called: Charcot-Marie-Tooth type 2. Identifiers: Orphanet 64746, MedGen C0270914, MONDO:0018993.

Submission:

Labcorp Genetics (formerly Invitae), Labcorp
Classification: Uncertain significance for Charcot-Marie-Tooth disease type 2. Last evaluated: 2023-01-11. Review status: criteria provided, single submitter. Criteria: Invitae Variant Classification Sherloc (09022015). Collection method: clinical testing. Allele origin: germline.
Comment: This sequence change replaces aspartic acid, which is acidic and polar, with glycine, which is neutral and non-polar, at codon 648 of the GARS protein (p.Asp648Gly). This variant is not present in population databases (gnomAD no frequency). This variant has not been reported in the literature in individuals affected with GARS-related conditions. Advanced modeling of protein sequence and biophysical properties (such as structural, functional, and spatial information, amino acid conservation, physicochemical variation, residue mobility, and thermodynamic stability) performed at Invitae indicates that this missense variant is expected to disrupt GARS protein function. In summary, the available evidence is currently insufficient to determine the role of this variant in disease. Therefore, it has been classified as a Variant of Uncertain Significance.